The following is an entry in ClinVar:

ClinVar aggregate classification (germline): Pathogenic (1 of 4 stars; one submission).

gnomAD v4.1: 1 of 1,613,984 alleles (0.000062%); no homozygotes.

Submission:

Labcorp Genetics (formerly Invitae), Labcorp
Classification: Pathogenic. Last evaluated: 2024-11-30. Review status: criteria provided, single submitter. Criteria: Invitae Variant Classification Sherloc (09022015). Collection method: clinical testing. Allele origin: germline.
Comment: This sequence change creates a premature translational stop signal (p.Glu1349*) in the NUP160 gene. It is expected to result in an absent or disrupted protein product. Loss-of-function variants in NUP160 are known to be pathogenic (PMID: 30910934). This variant is not present in population databases (gnomAD no frequency). This variant has not been reported in the literature in individuals affected with NUP160-related conditions. Algorithms developed to predict the effect of sequence changes on RNA splicing suggest that this variant may disrupt the consensus splice site. For these reasons, this variant has been classified as Pathogenic.

Literature cited by the submitters: PubMed 30910934.

NM_015231.3(NUP160):c.3943G>T (p.Glu1315Ter)

Gene: NUP160 (nucleoporin 160; minus strand). Cytogenetic location: 11p11.2.
Variant type: single nucleotide variant.
Coding change: c.3943G>T on transcript NM_015231.3 (MANE Select); coding-DNA position 3943, G replaced by T.
Protein change: p.Glu1315Ter; replaces glutamic acid 1315 with a stop codon.
Molecular consequence: nonsense. On other transcripts: non-coding transcript variant (1).
Genome position (GRCh38, 1-based): chr11:47,783,144, C>A on the plus strand (G>T on the coding strand, the complement: NUP160 is on the minus strand). VCF-style: chr11-47783144-C-A. GRCh37 (hg19) VCF-style: chr11-47804696-C-A.
Other names: short protein forms E1315*.
Identifiers: ClinVar variation 3670570 (VCV003670570.2).